The following is an entry in ClinVar:

ClinVar aggregate classification (germline): Uncertain significance (1 of 4 stars; one submission).

Conditions:
Inborn genetic diseases. Identifiers: MedGen C0950123, MeSH D030342.

Submission:

Ambry Genetics
Classification: Uncertain significance for Inborn genetic diseases. Last evaluated: 2023-05-11. Review status: criteria provided, single submitter. Criteria: Ambry Variant Classification Scheme 2023. Collection method: clinical testing. Allele origin: germline.
Comment: The p.V1083M variant (also known as c.3247G>A), located in coding exon 24 of the LTBP3 gene, results from a G to A substitution at nucleotide position 3247. The valine at codon 1083 is replaced by methionine, an amino acid with highly similar properties. This amino acid position is conserved. In addition, the in silico prediction for this alteration is inconclusive. Since supporting evidence is limited at this time, the clinical significance of this alteration remains unclear.

NM_001130144.3(LTBP3):c.3247G>A (p.Val1083Met)

Genes: LTBP3 (latent transforming growth factor beta binding protein 3; minus strand), LOC121832793 (Sharpr-MPRA regulatory region 4001; plus strand). Cytogenetic location: 11q13.1.
Variant type: single nucleotide variant.
Coding change: c.3247G>A on transcript NM_001130144.3 (MANE Select); coding-DNA position 3247, G replaced by A.
Protein change: p.Val1083Met; replaces valine 1083 with methionine.
Molecular consequence: missense variant. On other transcripts: intron variant (2).
Genome position (GRCh38, 1-based): chr11:65,540,151, C>T on the plus strand (G>A on the coding strand, the complement: LTBP3 is on the minus strand). VCF-style: chr11-65540151-C-T. GRCh37 (hg19) VCF-style: chr11-65307622-C-T.
Other names: c.2893+94G>A (NM_001164266.1); c.3244+94G>A (NM_021070.4); short protein forms V1083M.
Identifiers: ClinVar variation 2562660 (VCV002562660.2), dbSNP rs547719458, ClinGen allele CA381267306.